The following is an entry in ClinVar:

NM_001142800.2(EYS):c.3941del (p.Arg1314fs)

Gene: EYS (EGF-like photoreceptor maintenance factor; minus strand). Cytogenetic location: 6q12.
Variant type: Deletion.
Coding change: c.3941del on transcript NM_001142800.2 (MANE Select); coding-DNA position 3941, one base deleted (G; older notation c.3941delG).
Protein change: p.Arg1314fs; shifts the reading frame from arginine 1314.
Molecular consequence: frameshift variant.
Genome position (GRCh38, 1-based): chr6:64,591,926, C deleted on the plus strand (G on the coding strand, the reverse complement: EYS is on the minus strand). VCF-style (leftmost placement, unchanged base first): chr6-64591925-TC-T. GRCh37 (hg19) VCF-style: chr6-65301818-TC-T.
Other names: c.3941del, p.Arg1314fs (NM_001292009.2); short protein forms R1314fs.
Identifiers: ClinVar variation 2862806 (VCV002862806.3), dbSNP rs2533155638, ClinGen allele CA2739273172.

ClinVar aggregate classification (germline): Pathogenic (1 of 4 stars; one submission).

Submission:

Labcorp Genetics (formerly Invitae), Labcorp
Classification: Pathogenic. Last evaluated: 2023-05-09. Review status: criteria provided, single submitter. Criteria: Invitae Variant Classification Sherloc (09022015). Collection method: clinical testing. Allele origin: germline.
Comment: This sequence change creates a premature translational stop signal (p.Arg1314Lysfs*14) in the EYS gene. It is expected to result in an absent or disrupted protein product. Loss-of-function variants in EYS are known to be pathogenic (PMID: 18836446, 20333770). For these reasons, this variant has been classified as Pathogenic. This variant has not been reported in the literature in individuals affected with EYS-related conditions. This variant is not present in population databases (gnomAD no frequency).

Literature cited by the submitters: PubMed 18836446; PubMed 20333770.